The following is an entry in ClinVar:

ClinVar aggregate classification (germline): Uncertain significance. Review status: criteria provided, multiple submitters, no conflicts (2 of 4 stars). 3 submissions from 3 submitters: Uncertain significance (3). Last evaluated 2025-12-11.

Conditions:
Autoinflammatory syndrome, familial, Behcet-like 1 (AIFBL1). Also called: Haploinsufficiency of A20. Identifiers: Orphanet 674762, MedGen C4225218, MONDO:0800045, OMIM 616744.
Inborn genetic diseases. Identifiers: MedGen C0950123, MeSH D030342.

Allele frequency attached by ClinVar (database versions not stated): gnomAD exomes 0.00001 and 0.00003; ExAC 0.00006; TOPMed 0.00012; ESP Exome Variant Server 0.00015; gnomAD 0.00017 and 0.00018.
gnomAD v4.1: 31 of 1,614,100 alleles (0.0019%); highest among the groups gnomAD compares: African/African-American, 0.04%; no homozygotes.

Submissions (3):

Labcorp Genetics (formerly Invitae), Labcorp
Classification: Uncertain significance. Last evaluated: 2025-12-11. Review status: criteria provided, single submitter. Criteria: Invitae Variant Classification Sherloc (09022015). Collection method: clinical testing. Allele origin: germline.
Comment: This sequence change replaces valine, which is neutral and non-polar, with alanine, which is neutral and non-polar, at codon 398 of the TNFAIP3 protein (p.Val398Ala). This variant is present in population databases (rs140616865, gnomAD 0.06%), and has an allele count higher than expected for a pathogenic variant. This variant has not been reported in the literature in individuals affected with TNFAIP3-related conditions. ClinVar contains an entry for this variant (Variation ID: 1362457). Invitae Evidence Modeling of protein sequence and biophysical properties (such as structural, functional, and spatial information, amino acid conservation, physicochemical variation, residue mobility, and thermodynamic stability) indicates that this missense variant is not expected to disrupt TNFAIP3 protein function with a negative predictive value of 80%. In summary, the available evidence is currently insufficient to determine the role of this variant in disease. Therefore, it has been classified as a Variant of Uncertain Significance.

Ambry Genetics
Classification: Uncertain significance for Inborn genetic diseases. Last evaluated: 2024-04-12. Review status: criteria provided, single submitter. Criteria: Ambry Variant Classification Scheme 2023. Collection method: clinical testing. Allele origin: germline.

Fulgent Genetics
Classification: Uncertain significance for Autoinflammatory syndrome, familial, Behcet-like 1. Last evaluated: 2022-02-18. Review status: criteria provided, single submitter. Criteria: ACMG Guidelines, 2015. Collection method: clinical testing. Allele origin: unknown.

NM_001270508.2(TNFAIP3):c.1193T>C (p.Val398Ala)

Gene: TNFAIP3 (TNF alpha induced protein 3; plus strand). Cytogenetic location: 6q23.3.
Variant type: single nucleotide variant.
Coding change: c.1193T>C on transcript NM_001270508.2 (MANE Select); coding-DNA position 1193, T replaced by C.
Protein change: p.Val398Ala; replaces valine 398 with alanine.
Molecular consequence: missense variant.
Genome position (GRCh38, 1-based): chr6:137,878,638, T>C. VCF-style: chr6-137878638-T-C. GRCh37 (hg19) VCF-style: chr6-138199775-T-C.
Other names: c.1193T>C, p.Val398Ala (NM_001270507.2, NM_006290.4); c.1193T>C (NM_006290.2); short protein forms V398A.
Identifiers: ClinVar variation 1362457 (VCV001362457.8), dbSNP rs140616865, ClinGen allele CA4019589.